The following is an entry in ClinVar:

ClinVar aggregate classification (germline): Uncertain significance (1 of 4 stars; one submission).

Allele frequency attached by ClinVar (database versions not stated): gnomAD exomes below 0.00001.
gnomAD v4.1: 1 of 1,609,438 alleles (0.000062%); highest among the groups gnomAD compares: Non-Finnish European, 0.000085%; no homozygotes.

Submission:

GeneDx
Classification: Uncertain significance. Last evaluated: 2017-03-03. Review status: criteria provided, single submitter. Criteria: GeneDx Variant Classification (06012015). Collection method: clinical testing. Allele origin: germline. Affected: yes.
Comment: The L1619F variant in the CACNA1H gene has not been reported previously as a pathogenic variant, nor as a benign variant, to our knowledge. The L1619F variant is not observed in large population cohorts (Lek et al., 2016; 1000 Genomes Consortium et al., 2015; Exome Variant Server). The L1619F variant is a conservative amino acid substitution, which is not likely to impact secondary protein structure as these residues share similar properties. However, this substitution occurs at a position that is conserved across species and in silico analysis predicts this variant is probably damaging to the protein structure/function. We interpret L1619F as a variant of uncertain significance.

NM_021098.3(CACNA1H):c.4855C>T (p.Leu1619Phe)

Gene: CACNA1H (calcium voltage-gated channel subunit alpha1 H; plus strand). Cytogenetic location: 16p13.3.
Variant type: single nucleotide variant.
Coding change: c.4855C>T on transcript NM_021098.3 (MANE Select); coding-DNA position 4855, C replaced by T.
Protein change: p.Leu1619Phe; replaces leucine 1619 with phenylalanine.
Molecular consequence: missense variant.
Genome position (GRCh38, 1-based): chr16:1,213,857, C>T. VCF-style: chr16-1213857-C-T. GRCh37 (hg19) VCF-style: chr16-1263857-C-T.
Other names: c.4837C>T, p.Leu1613Phe (NM_001005407.2); short protein forms L1619F, L1613F.
Identifiers: ClinVar variation 424098 (VCV000424098.2), dbSNP rs1064796794, ClinGen allele CA16620069.
Genomic context (GRCh38, chr16:1,213,857, plus strand): 5'-TACTATGCCGACTACTCGCCCACGCGCCGCTCCATTCACTCGCTGTGCACCAGCCACTAT[C>T]TCGACCTCTTCATCACCTTCATCATCTGTGTCAACGTCATCACCATGTCCATGGAGCACT-3'
Protein context (NP_066921.2, residues 1609-1629): SIHSLCTSHY[Leu1619Phe]DLFITFIICV